The following is an entry in ClinVar:

NM_000059.4(BRCA2):c.1627C>T (p.His543Tyr)

Gene: BRCA2 (BRCA2 DNA repair associated; plus strand). Cytogenetic location: 13q13.1.
Variant type: single nucleotide variant.
Coding change: c.1627C>T on transcript NM_000059.4 (MANE Select); coding-DNA position 1627, C replaced by T.
Protein change: p.His543Tyr; replaces histidine 543 with tyrosine.
Molecular consequence: missense variant.
Genome position (GRCh38, 1-based): chr13:32,333,105, C>T. VCF-style: chr13-32333105-C-T. GRCh37 (hg19) VCF-style: chr13-32907242-C-T.
Other names: short protein forms H543Y.
Identifiers: ClinVar variation 186449 (VCV000186449.22), dbSNP rs80358446, ClinGen allele CA012679.

ClinVar aggregate classification (germline): Conflicting classifications of pathogenicity. Review status: criteria provided, conflicting classifications (1 of 4 stars). 6 submissions from 6 submitters: Uncertain significance (5); Likely benign (1). Last evaluated 2025-11-27.

Conditions:
Hereditary cancer-predisposing syndrome. Also called: Neoplastic Syndromes, Hereditary; Tumor predisposition; Hereditary Cancer Syndrome; Hereditary neoplastic syndrome. Identifiers: Orphanet 140162, MedGen C0027672, MeSH D009386, MONDO:0015356.
Hereditary breast ovarian cancer syndrome. Also called: Hereditary breast and ovarian cancer; Hereditary breast and/or ovarian cancer syndrome; BRCA1- and BRCA2-Associated Hereditary Breast and Ovarian Cancer; Hereditary breast and ovarian cancer syndrome (HBOC); Hereditary breast and ovarian cancer syndrome; Breast and ovarian cancer. Identifiers: Orphanet 145, MedGen C0677776, MeSH D061325, MONDO:0003582. Disease mechanism: loss of function.

gnomAD v4.1: 1 of 1,613,860 alleles (0.000062%); highest among the groups gnomAD compares: Admixed American, 0.0017%; no homozygotes.

Submissions (6):

Labcorp Genetics (formerly Invitae), Labcorp
Classification: Uncertain significance for Hereditary breast ovarian cancer syndrome. Last evaluated: 2025-11-27. Review status: criteria provided, single submitter. Criteria: Invitae Variant Classification Sherloc (09022015). Collection method: clinical testing. Allele origin: germline.
Comment: This sequence change replaces histidine, which is basic and polar, with tyrosine, which is neutral and polar, at codon 543 of the BRCA2 protein (p.His543Tyr). This variant is not present in population databases (gnomAD no frequency). This missense change has been observed in individual(s) with breast and/or ovarian cancer (PMID: 31825140). ClinVar contains an entry for this variant (Variation ID: 186449). Invitae Evidence Modeling of protein sequence and biophysical properties (such as structural, functional, and spatial information, amino acid conservation, physicochemical variation, residue mobility, and thermodynamic stability) indicates that this missense variant is not expected to disrupt BRCA2 protein function with a negative predictive value of 95%. In summary, the available evidence is currently insufficient to determine the role of this variant in disease. Therefore, it has been classified as a Variant of Uncertain Significance.

Color Diagnostics, LLC DBA Color Health
Classification: Uncertain significance for Hereditary cancer-predisposing syndrome. Last evaluated: 2023-11-20. Review status: criteria provided, single submitter. Criteria: ACMG Guidelines, 2015. Collection method: clinical testing. Allele origin: germline.
Comment: This missense variant replaces histidine with tyrosine at codon 543 of the BRCA2 protein. Computational prediction suggests that this variant may not impact protein structure and function (internally defined REVEL score threshold <= 0.5, PMID: 27666373). To our knowledge, functional studies have not been reported for this variant. This variant has been reported in two individuals affected with breast and/or ovarian cancer (PMID: 31825140). This variant has not been identified in the general population by the Genome Aggregation Database (gnomAD). The available evidence is insufficient to determine the role of this variant in disease conclusively. Therefore, this variant is classified as a Variant of Uncertain Significance.

Ambry Genetics
Classification: Uncertain significance for Hereditary cancer-predisposing syndrome. Last evaluated: 2023-10-08. Review status: criteria provided, single submitter. Criteria: Ambry Variant Classification Scheme 2023. Collection method: clinical testing. Allele origin: germline.
Comment: The p.H543Y variant (also known as c.1627C>T), located in coding exon 9 of the BRCA2 gene, results from a C to T substitution at nucleotide position 1627. The histidine at codon 543 is replaced by tyrosine, an amino acid with similar properties. This amino acid position is poorly conserved in available vertebrate species. In addition, this alteration is predicted to be tolerated by in silico analysis. Since supporting evidence is limited at this time, the clinical significance of this alteration remains unclear.

University of Washington Department of Laboratory Medicine, University of Washington
Classification: Likely benign for Hereditary cancer-predisposing syndrome. Last evaluated: 2023-03-23. Review status: criteria provided, single submitter. Criteria: Dines et al. (Genet Med. 2020). Collection method: curation. Allele origin: germline.
Comment: Missense variant in a coldspot region where missense variants are very unlikely to be pathogenic (PMID:31911673).

BRCA2 exon 10 coldspot. Reclassification based on statistical prior probability.

Women's Health and Genetics/Laboratory Corporation of America, LabCorp
Classification: Uncertain significance. Last evaluated: 2019-07-22. Review status: criteria provided, single submitter. Criteria: LabCorp Variant Classification Summary - May 2015. Collection method: clinical testing. Allele origin: germline.
Comment: Variant summary: BRCA2 c.1627C>T (p.His543Tyr) results in a conservative amino acid change in the encoded protein sequence. Five of five in-silico tools predict a benign effect of the variant on protein function. The variant was absent in 250880 control chromosomes (gnomAD). The available data on variant occurrences in the general population are insufficient to allow any conclusion about variant significance. To our knowledge, no occurrence of c.1627C>T in individuals affected with Hereditary Breast and Ovarian Cancer and no experimental evidence demonstrating its impact on protein function have been reported. Two ClinVar submissions (evaluation after 2014) cites the variant as uncertain significance. Based on the evidence outlined above, the variant was classified as uncertain significance.

GeneDx
Classification: Uncertain significance. Last evaluated: 2016-09-27. Review status: criteria provided, single submitter. Criteria: GeneDx Variant Classification (06012015). Collection method: clinical testing. Allele origin: germline. Affected: yes.
Comment: This variant is denoted BRCA2 c.1627C>T at the cDNA level, p.His543Tyr (H543Y) at the protein level, and results in the change of a Histidine to a Tyrosine (CAT>TAT). Using alternate nomenclature, this variant would be defined as BRCA2 1855C>T. This variant has not, to our knowledge, been published in the literature as pathogenic or benign. BRCA2 His543Tyr was not observed in approximately 6,500 individuals of European and African American ancestry in the NHLBI Exome Sequencing Project, suggesting it is not a common benign variant in these populations. Since Histidine and Tyrosine differ in polarity, charge, size or other properties, this is considered a non-conservative amino acid substitution. BRCA2 His543Tyr occurs at a position that is not conserved and is not located in a known functional domain (Cole 2011). In silico analyses predict that this variant is unlikely to alter protein structure or function. Based on currently available evidence, it is unclear whether BRCA2 His543Tyr is a pathogenic or benign variant. We consider it to be a variant of uncertain significance.

Literature cited by the submitters: PubMed 31825140 (cited by Labcorp Genetics (formerly Invitae), Labcorp and Color Diagnostics, LLC DBA Color Health).